The following is an entry in ClinVar:

ClinVar aggregate classification (germline): Likely benign. Review status: criteria provided, multiple submitters, no conflicts (2 of 4 stars). 2 submissions from 2 submitters: Likely benign (2). Last evaluated 2025-11-13.

Allele frequency attached by ClinVar (database versions not stated): gnomAD exomes below 0.00001 and 0.00002; TOPMed below 0.00001; gnomAD 0.00001.

Submissions (2):

Labcorp Genetics (formerly Invitae), Labcorp
Classification: Likely benign. Last evaluated: 2025-11-13. Review status: criteria provided, single submitter. Criteria: Invitae Variant Classification Sherloc (09022015). Collection method: clinical testing. Allele origin: germline.

GeneDx
Classification: Likely benign. Last evaluated: 2018-02-26. Review status: criteria provided, single submitter. Criteria: GeneDx Variant Classification (06012015). Collection method: clinical testing. Allele origin: germline. Affected: yes.
Comment: This variant is considered likely benign or benign based on one or more of the following criteria: it is a conservative change, it occurs at a poorly conserved position in the protein, it is predicted to be benign by multiple in silico algorithms, and/or has population frequency not consistent with disease.

NM_001042545.2(LTBP4):c.3071-20_3071-19del

Gene: LTBP4 (latent transforming growth factor beta binding protein 4; plus strand). Cytogenetic location: 19q13.2.
Variant type: Deletion.
Coding change: c.3071-20_3071-19del on transcript NM_001042545.2 (MANE Select); 20 bases into the intron before coding-DNA position 3071 through 19 bases into the intron before coding-DNA position 3071, 2 bases deleted (CT; older notation c.3071-20_3071-19delCT).
Molecular consequence: intron variant.
Genome position (GRCh38, 1-based): chr19:40,619,327-40,619,328, CT deleted. VCF-style (leftmost placement, unchanged base first): chr19-40619326-CCT-C. GRCh37 (hg19) VCF-style: chr19-41125231-CCT-C.
Other names: c.3161-20_3161-19delCT (NM_003573.2); c.3161-20_3161-19del (NM_003573.2); c.3272-20_3272-19del (NM_001042544.1).
Identifiers: ClinVar variation 515714 (VCV000515714.2), dbSNP rs1391593992, ClinGen allele CA633122914.